The following is an entry in ClinVar:

ClinVar aggregate classification (germline): Uncertain significance (1 of 4 stars; one submission).

Conditions:
Autosomal dominant nonsyndromic hearing loss 1. Also called: DEAFNESS, AUTOSOMAL DOMINANT 1, WITH OR WITHOUT THROMBOCYTOPENIA; KONIGSMARK SYNDROME. Identifiers: Orphanet 90635, MedGen C1852282, MONDO:0007424, OMIM 124900.
Progressive microcephaly-seizures-cortical blindness-developmental delay syndrome. Also called: Seizures, cortical blindness, and microcephaly syndrome. Identifiers: Orphanet 477814, MedGen C5567650, MONDO:0014714, OMIM 616632.

Allele frequency attached by ClinVar (database versions not stated): gnomAD exomes 0.00001 and 0.00005; TOPMed 0.00003; ExAC 0.00006; 1000 Genomes Project 0.00020; 1000 Genomes Project 30x 0.00031.
gnomAD v4.1: 10 of 1,614,202 alleles (0.00062%); highest among the groups gnomAD compares: East Asian, 0.022%; no homozygotes.

Submission:

Labcorp Genetics (formerly Invitae), Labcorp
Classification: Uncertain significance for Progressive microcephaly-seizures-cortical blindness-developmental delay syndrome; Autosomal dominant nonsyndromic hearing loss 1. Last evaluated: 2025-10-14. Review status: criteria provided, single submitter. Criteria: Invitae Variant Classification Sherloc (09022015). Collection method: clinical testing. Allele origin: germline.
Comment: This sequence change replaces glutamic acid, which is acidic and polar, with glycine, which is neutral and non-polar, at codon 526 of the DIAPH1 protein (p.Glu526Gly). This variant is present in population databases (rs187899184, gnomAD 0.06%). This variant has not been reported in the literature in individuals affected with DIAPH1-related conditions. ClinVar contains an entry for this variant (Variation ID: 952902). Experimental studies and prediction algorithms are not available or were not evaluated, and the functional significance of this variant is currently unknown. In summary, the available evidence is currently insufficient to determine the role of this variant in disease. Therefore, it has been classified as a Variant of Uncertain Significance.

NM_005219.5(DIAPH1):c.1577A>G (p.Glu526Gly)

Gene: DIAPH1 (diaphanous related formin 1; minus strand). Cytogenetic location: 5q31.3.
Variant type: single nucleotide variant.
Coding change: c.1577A>G on transcript NM_005219.5 (MANE Select); coding-DNA position 1577, A replaced by G.
Protein change: p.Glu526Gly; replaces glutamic acid 526 with glycine.
Molecular consequence: missense variant.
Genome position (GRCh38, 1-based): chr5:141,575,031, T>C on the plus strand (A>G on the coding strand, the complement: DIAPH1 is on the minus strand). VCF-style: chr5-141575031-T-C. GRCh37 (hg19) VCF-style: chr5-140954598-T-C.
Other names: c.1550A>G, p.Glu517Gly (NM_001079812.3); c.1577A>G, p.Glu526Gly (NM_001314007.2); short protein forms E517G, E526G.
Identifiers: ClinVar variation 952902 (VCV000952902.10), dbSNP rs187899184, ClinGen allele CA3479261.